The following is an entry in ClinVar:

NM_001876.4(CPT1A):c.831dup (p.Ala278fs)

Gene: CPT1A (carnitine palmitoyltransferase 1A; minus strand). Cytogenetic location: 11q13.3.
Variant type: Duplication.
Coding change: c.831dup on transcript NM_001876.4 (MANE Select); coding-DNA position 831, one base duplicated (T; older notation c.831dupT).
Protein change: p.Ala278fs; shifts the reading frame from alanine 278.
Molecular consequence: frameshift variant. On other transcripts: intron variant (2).
Genome position (GRCh38, 1-based): chr11:68,794,852, A duplicated on the plus strand (T on the coding strand, the reverse complement: CPT1A is on the minus strand). VCF-style (leftmost placement, unchanged base first): chr11-68794851-C-CA. GRCh37 (hg19) VCF-style: chr11-68562319-C-CA.
Other names: c.831dup, p.Ala278fs (NM_001031847.3, NM_001440358.1, NM_001440359.1 and 4 more transcripts); c.772-1450dup (NM_001440363.1); c.694-1450dup (NM_001440365.1); short protein forms A278fs.
Identifiers: ClinVar variation 5013536 (VCV005013536.1).
Genomic context (GRCh38, chr11:68,794,851, plus strand): 5'-TTTGTTTGCCTACTGGTTTGATTTCCTCCCGGTCCAGTTTGCGCCTGTAAAGCAGGATGG[C>CA]ATGGATGGCGTTGCCGGCTCTTGCTGCCTGAATGTGAGTTGGAAGGATATACAGCAGATC-3'

ClinVar aggregate classification (germline): Pathogenic (1 of 4 stars; one submission).

Conditions:
Carnitine palmitoyl transferase 1A deficiency. Also called: CPT deficiency, hepatic, type IA; Carnitine palmitoyltransferase type I deficiency; CPT I DEFICIENCY; CPT DEFICIENCY, HEPATIC, TYPE I; Carnitine palmitoyltransferase 1A deficiency. Identifiers: Orphanet 156, MedGen C1829703, MONDO:0009705, OMIM 255120.

Submission:

Myriad Genetics, Inc.
Classification: Pathogenic for Carnitine palmitoyl transferase 1A deficiency. Last evaluated: 2024-09-08. Review status: criteria provided, single submitter. Criteria: Myriad Autosomal Dominant, Autosomal Recessive and X-Linked Classification Criteria (2023). Collection method: clinical testing. Allele origin: unknown.
Comment: NM_001876.3(CPT1A):c.831dupT(A278Cfs*36) is expected to be pathogenic in the context of carnitine palmitoyltransferase IA deficiency. This variant is predicted to lead to an abnormal or absent protein product due to the creation of a premature termination codon in CPT1A, a gene where loss-of-function variants are known to be pathogenic. Please note: this variant was assessed in the context of healthy population screening.